The following is an entry in ClinVar:

NM_013444.4(UBQLN2):c.1727C>A (p.Pro576Gln)

Gene: UBQLN2 (ubiquilin 2; plus strand). Cytogenetic location: Xp11.21.
Variant type: single nucleotide variant.
Coding change: c.1727C>A on transcript NM_013444.4 (MANE Select); coding-DNA position 1727, C replaced by A.
Protein change: p.Pro576Gln; replaces proline 576 with glutamine.
Molecular consequence: missense variant.
Genome position (GRCh38, 1-based): chrX:56,565,600, C>A. VCF-style: chrX-56565600-C-A. GRCh37 (hg19) VCF-style: chrX-56592033-C-A.
Other names: short protein forms P576Q.
Identifiers: ClinVar variation 1016959 (VCV001016959.8), dbSNP rs1569254665, ClinGen allele CA413381155.

ClinVar aggregate classification (germline): Uncertain significance (1 of 4 stars; one submission).

Conditions:
Amyotrophic lateral sclerosis type 15. Also called: AMYOTROPHIC LATERAL SCLEROSIS 15 WITH FRONTOTEMPORAL DEMENTIA. Identifiers: Orphanet 803, MedGen C3275459, MONDO:0010459, OMIM 300857.

Allele frequency attached by ClinVar (database versions not stated): gnomAD exomes 0.00001.
gnomAD v4.1: 1 of 1,211,965 alleles (0.000083%); highest among the groups gnomAD compares: Non-Finnish European, 0.00011%; no homozygotes.

Submission:

Labcorp Genetics (formerly Invitae), Labcorp
Classification: Uncertain significance for Amyotrophic lateral sclerosis type 15. Last evaluated: 2022-05-27. Review status: criteria provided, single submitter. Criteria: Invitae Variant Classification Sherloc (09022015). Collection method: clinical testing. Allele origin: germline.
Comment: Algorithms developed to predict the effect of missense changes on protein structure and function output the following: SIFT: "Not Available"; PolyPhen-2: "Not Available"; Align-GVGD: "Not Available". The glutamine amino acid residue is found in multiple mammalian species, which suggests that this missense change does not adversely affect protein function. ClinVar contains an entry for this variant (Variation ID: 1016959). This variant has not been reported in the literature in individuals affected with UBQLN2-related conditions. This variant is not present in population databases (gnomAD no frequency). This sequence change replaces proline, which is neutral and non-polar, with glutamine, which is neutral and polar, at codon 576 of the UBQLN2 protein (p.Pro576Gln). In summary, the available evidence is currently insufficient to determine the role of this variant in disease. Therefore, it has been classified as a Variant of Uncertain Significance.